The following is an entry in ClinVar:

ClinVar aggregate classification (germline): Uncertain significance (1 of 4 stars; one submission).

Submission:

GeneDx
Classification: Uncertain significance. Last evaluated: 2025-03-27. Review status: criteria provided, single submitter. Criteria: GeneDx Variant Classification Process June 2021. Collection method: clinical testing. Allele origin: germline. Affected: yes.
Comment: Not observed at significant frequency in large population cohorts (gnomAD); In silico analysis supports that this missense variant has a deleterious effect on protein structure/function; Has not been previously published as pathogenic or benign to our knowledge

NM_004069.6(AP2S1):c.178C>T (p.Arg60Cys)

Gene: AP2S1 (adaptor related protein complex 2 subunit sigma 1; minus strand). Cytogenetic location: 19q13.32.
Variant type: single nucleotide variant.
Coding change: c.178C>T on transcript NM_004069.6 (MANE Select); coding-DNA position 178, C replaced by T.
Protein change: p.Arg60Cys; replaces arginine 60 with cysteine.
Molecular consequence: missense variant. On other transcripts: intron variant (1).
Genome position (GRCh38, 1-based): chr19:46,839,554, G>A on the plus strand (C>T on the coding strand, the complement: AP2S1 is on the minus strand). VCF-style: chr19-46839554-G-A. GRCh37 (hg19) VCF-style: chr19-47342811-G-A.
Other names: c.226C>T, p.Arg76Cys (NM_001301076.3); c.220C>T, p.Arg74Cys (NM_001301078.3); c.184C>T, p.Arg62Cys (NM_001301081.3); c.154-755C>T (NM_021575.5); short protein forms R60C, R62C, R74C, R76C.
Identifiers: ClinVar variation 4088049 (VCV004088049.1).